The following is an entry in ClinVar:

ClinVar aggregate classification (germline): Uncertain significance. Review status: criteria provided, multiple submitters, no conflicts (2 of 4 stars). 2 submissions from 2 submitters: Uncertain significance (2). Last evaluated 2026-01-20.

Conditions:
Tuberous sclerosis 2 (TSC2). Identifiers: Orphanet 805, MedGen C1860707, MONDO:0013199, OMIM 613254.
Hereditary cancer-predisposing syndrome. Also called: Neoplastic Syndromes, Hereditary; Hereditary neoplastic syndrome; Tumor predisposition; Hereditary Cancer Syndrome. Identifiers: Orphanet 140162, MedGen C0027672, MeSH D009386, MONDO:0015356.

Allele frequency attached by ClinVar (database versions not stated): gnomAD 0.00001.
gnomAD v4.1: 3 of 1,612,810 alleles (0.00019%); highest among the groups gnomAD compares: East Asian, 0.0022%; no homozygotes.

Submissions (2):

Labcorp Genetics (formerly Invitae), Labcorp
Classification: Uncertain significance for Tuberous sclerosis 2. Last evaluated: 2026-01-20. Review status: criteria provided, single submitter. Criteria: Invitae Variant Classification Sherloc (09022015). Collection method: clinical testing. Allele origin: germline.
Comment: This sequence change replaces histidine, which is basic and polar, with arginine, which is basic and polar, at codon 1135 of the TSC2 protein (p.His1135Arg). The frequency data for this variant in the population databases is considered unreliable, as metrics indicate poor data quality at this position in the gnomAD database. This variant has not been reported in the literature in individuals affected with TSC2-related conditions. ClinVar contains an entry for this variant (Variation ID: 535851). Invitae Evidence Modeling of protein sequence and biophysical properties (such as structural, functional, and spatial information, amino acid conservation, physicochemical variation, residue mobility, and thermodynamic stability) indicates that this missense variant is not expected to disrupt TSC2 protein function with a negative predictive value of 95%. In summary, the available evidence is currently insufficient to determine the role of this variant in disease. Therefore, it has been classified as a Variant of Uncertain Significance.

Ambry Genetics
Classification: Uncertain significance for Hereditary cancer-predisposing syndrome. Last evaluated: 2025-03-17. Review status: criteria provided, single submitter. Criteria: Ambry Variant Classification Scheme 2023. Collection method: clinical testing. Allele origin: germline.
Comment: The p.H1135R variant (also known as c.3404A>G), located in coding exon 29 of the TSC2 gene, results from an A to G substitution at nucleotide position 3404. The histidine at codon 1135 is replaced by arginine, an amino acid with highly similar properties. This amino acid position is well conserved in available vertebrate species. In addition, the in silico prediction for this alteration is inconclusive. Based on the available evidence, the clinical significance of this variant remains unclear.

NM_000548.5(TSC2):c.3404A>G (p.His1135Arg)

Gene: TSC2 (TSC complex subunit 2; plus strand). Cytogenetic location: 16p13.3.
Variant type: single nucleotide variant.
Coding change: c.3404A>G on transcript NM_000548.5 (MANE Select); coding-DNA position 3404, A replaced by G.
Protein change: p.His1135Arg; replaces histidine 1135 with arginine.
Molecular consequence: missense variant.
Genome position (GRCh38, 1-based): chr16:2,080,171, A>G. VCF-style: chr16-2080171-A-G. GRCh37 (hg19) VCF-style: chr16-2130172-A-G.
Other names: c.3272A>G, p.His1091Arg (NM_001077183.3, NM_001370404.1); c.3404A>G, p.His1135Arg (NM_001114382.3); c.3164A>G, p.His1055Arg (NM_001318827.2); c.3128A>G, p.His1043Arg (NM_001318829.2); c.2672A>G, p.His891Arg (NM_001318831.2); c.3305A>G, p.His1102Arg (NM_001318832.2); c.3275A>G, p.His1092Arg (NM_001363528.2, NM_001370405.1, NM_021055.3); short protein forms H1135R, H1102R, H1043R, H1055R, H1091R, H891R, H1092R.
Identifiers: ClinVar variation 535851 (VCV000535851.11), dbSNP rs1309968292, ClinGen allele CA394288377.